The following is an entry in ClinVar:

ClinVar aggregate classification (germline): drug response. Review status: reviewed by expert panel (3 of 4 stars). 8 submissions from 7 submitters: drug response (1). 7 of the submissions do not count toward it. Last evaluated 2021-03-24.
ClinVar aggregate classification (somatic clinical impact): Tier I - Strong. Review status: criteria provided, multiple submitters. 3 submissions from 2 submitters. Last evaluated 2018-02-23.
ClinVar aggregate classification (oncogenicity): Oncogenic (1 of 4 stars; one submission).

Conditions:
gefitinib response - Efficacy. Identifiers: MedGen CN322733.
Hereditary cancer-predisposing syndrome. Also called: Hereditary Cancer Syndrome; Neoplastic Syndromes, Hereditary; Hereditary neoplastic syndrome; Tumor predisposition. Identifiers: Orphanet 140162, MedGen C0027672, MeSH D009386, MONDO:0015356.
Lung carcinoma. Identifiers: MedGen C0684249, MONDO:0005138.
Nonsmall cell lung cancer, response to tyrosine kinase inhibitor in, somatic. Identifiers: MedGen C4016032.
Adenocarcinoma of lung, response to tyrosine kinase inhibitor in, somatic. Identifiers: MedGen C1851577.
Lung adenocarcinoma. Also called: Adenocarcinoma of lung; Adenocarcinoma of lung, somatic. Identifiers: MedGen C0152013, MeSH D000077192, MONDO:0005061, HP:0030078.
Tyrosine kinase inhibitor response. Also called: Protein-tyrosine kinase inhibitor response. Identifiers: MedGen CN225347.
Non-small cell lung carcinoma (NSCLC). Also called: Non-small cell lung cancer. Identifiers: MedGen C0007131, MeSH D002289, MONDO:0005233, HP:0030358. Disease mechanism: Other.
Neoplasm. Also called: Neoplasms; Neoplasm (disease); tumor. Identifiers: MedGen C0027651, MeSH D009369, MONDO:0005070, HP:0002664.

Submissions (12):

ClinPGx
Classification: drug response for gefitinib response - Efficacy. Last evaluated: 2021-03-24. Review status: reviewed by expert panel. Criteria: Pharmacogenomics knowledge for personalized medicine. Collection method: curation. Allele origin: germline. Affected: yes.
Comment: PharmGKB Level of Evidence 1A: Level 1A clinical annotations describe variant-drug combinations that have variant-specific prescribing guidance available in a current clinical guideline annotation or an FDA-approved drug label annotation. Annotations of drug labels or clinical guidelines must give prescribing guidance for specific variants (e.g. CYP2C9*3, HLA-B*57:01) or provide mapping from defined allele functions to diplotypes and phenotypes to be used as supporting evidence for a level 1A clinical annotation. Level 1A clinical annotations must also be supported by at least one publication in addition to a clinical guideline or drug label with variant-specific prescribing guidance.

Drug is not necessarily used to treat response condition

Ambry Genetics
Classification: Uncertain significance for Hereditary cancer-predisposing syndrome. Last evaluated: 2025-03-10. Review status: criteria provided, single submitter. Criteria: Ambry Variant Classification Scheme 2023. Collection method: clinical testing. Allele origin: germline. Not counted in ClinVar's aggregate classification.
Comment: The p.L858R variant (also known as c.2573T>G), located in coding exon 21 of the EGFR gene, results from a T to G substitution at nucleotide position 2573. The leucine at codon 858 is replaced by arginine, an amino acid with dissimilar properties. This amino acid position is highly conserved in available vertebrate species. In addition, this alteration is predicted to be deleterious by in silico analysis. Based on the available evidence, the clinical significance of this variant remains unclear.

Center for Genomic Medicine, Rigshospitalet, Copenhagen University Hospital
Classification: Oncogenic for Neoplasm. Last evaluated: 2025-03-04. Review status: criteria provided, single submitter. Criteria: ClinGen/CGC/VICC Guidelines for Oncogenicity, 2022. Collection method: clinical testing. Allele origin: somatic. Affected: yes.

Liquid Biopsy and Cancer Interception Group, Pfizer-University of Granada-Junta de Andalucía Centre for Genomics and Oncological Research
Classification: Pathogenic for Lung adenocarcinoma. Last evaluated: 2022-06-06. Review status: criteria provided, single submitter. Criteria: AMP Guidelines, 2017. Collection method: research. Allele origin: somatic. Affected: yes. Observed: 1 variant allele. Not counted in ClinVar's aggregate classification.

Mendelics
Classification: Pathogenic for Lung cancer. Last evaluated: 2019-05-28. Review status: criteria provided, single submitter. Criteria: Mendelics Assertion Criteria 2017. Collection method: clinical testing. Allele origin: unknown. Not counted in ClinVar's aggregate classification.

CIViC Knowledgebase, Washington University School of Medicine
Classification: Tier I - Strong for Non-small cell lung carcinoma. Assertion type: therapeutic. Clinical significance: sensitivity/response. Last evaluated: 2018-02-23. Review status: criteria provided, single submitter. Criteria: AMP/ASCO/CAP Guidelines, 2017. Collection method: curation. Allele origin: somatic. Affected: yes.
Comment: L858R is among the most common sensitizing EGFR mutations in NSCLC, and is assessed via DNA mutational analysis including Sanger sequencing and next generation sequencing methods. Tyrosine kinase inhibitor erlotinib is associated with improved progression free survival over chemotherapy in EGFR L858R patients (civic.EID:885).

Wagner Lab, Nationwide Children's Hospital
Classification: Tier I - Strong for Lung Non-small Cell Carcinoma. Assertion type: therapeutic. Clinical significance: sensitivity/response. Last evaluated: 2018-02-23. Review status: criteria provided, single submitter. Criteria: AMP/ASCO/CAP Guidelines, 2017. Collection method: curation. Allele origin: somatic.
Comment: the same text as in the submission from CIViC Knowledgebase, Washington University School of Medicine above.

CIViC Knowledgebase, Washington University School of Medicine
Classification: Tier I - Strong for Non-small cell lung carcinoma. Assertion type: therapeutic. Clinical significance: sensitivity/response. Last evaluated: 2018-02-22. Review status: criteria provided, single submitter. Criteria: AMP/ASCO/CAP Guidelines, 2017. Collection method: curation. Allele origin: somatic. Affected: yes.
Comment: L858R is among the most common sensitizing EGFR mutations in NSCLC, and is assessed via DNA mutational analysis, including Sanger sequencing and next generation sequencing methods. Tyrosine kinase inhibitor afatinib is FDA approved as a first line systemic therapy in NSCLC with sensitizing EGFR mutation (civic.EID:2997).

Laboratory for Molecular Medicine, Mass General Brigham Personalized Medicine
Classification: drug response for Tyrosine kinase inhibitor response. Last evaluated: 2006-10-28. Review status: no assertion criteria provided. Collection method: clinical testing. Allele origin: somatic. Observed: 236 variant alleles. Not counted in ClinVar's aggregate classification.

OMIM
Classification: drug response for NONSMALL CELL LUNG CANCER, RESPONSE TO TYROSINE KINASE INHIBITOR IN, SOMATIC. Last evaluated: 2005-05-19. Review status: no assertion criteria provided. Collection method: literature only. Allele origin: somatic. Not counted in ClinVar's aggregate classification.

OMIM
Classification: drug response for ADENOCARCINOMA OF LUNG, RESPONSE TO TYROSINE KINASE INHIBITOR IN, SOMATIC. Last evaluated: 2005-05-19. Review status: no assertion criteria provided. Collection method: literature only. Allele origin: somatic. Not counted in ClinVar's aggregate classification.

Key Laboratory of Carcinogenesis and Cancer Invasion, Central South University
Classification: Likely pathogenic for Adenocarcinoma of lung. Review status: no assertion criteria provided. Collection method: clinical testing. Allele origin: somatic. Affected: yes. Not counted in ClinVar's aggregate classification.

Literature cited by the submitters: PubMed 15118073 (cited by 3 submitters); PubMed 15897572 (cited by ClinPGx); PubMed 16115929 (cited by ClinPGx); PubMed 16203769 (cited by ClinPGx); PubMed 16204011 (cited by ClinPGx); PubMed 16865253 (cited by ClinPGx); PubMed 16956694 (cited by ClinPGx); PubMed 17047654 (cited by ClinPGx); PubMed 17106442 (cited by ClinPGx); PubMed 17192902 (cited by ClinPGx); PubMed 17285735 (cited by ClinPGx); PubMed 17317677 (cited by ClinPGx); PubMed 17387341 (cited by ClinPGx); PubMed 17429313 (cited by ClinPGx); PubMed 17473659 (cited by ClinPGx); PubMed 19692680 (cited by ClinPGx); PubMed 20022809 (cited by ClinPGx); PubMed 20038723 (cited by ClinPGx); PubMed 20573926 (cited by ClinPGx); PubMed 21900837 (cited by ClinPGx); PubMed 22215752 (cited by ClinPGx); PubMed 22370314 (cited by ClinPGx); PubMed 22760226 (cited by ClinPGx); PubMed 26490356 (cited by ClinPGx); PubMed 29533785 (cited by Center for Genomic Medicine, Rigshospitalet, Copenhagen University Hospital); PubMed 28979142 (cited by Center for Genomic Medicine, Rigshospitalet, Copenhagen University Hospital); PubMed 30952700 (cited by Center for Genomic Medicine, Rigshospitalet, Copenhagen University Hospital); PubMed 16187797 (cited by Center for Genomic Medicine, Rigshospitalet, Copenhagen University Hospital); PubMed 24736073 (cited by CIViC Knowledgebase, Washington University School of Medicine); PubMed 22285168 (cited by CIViC Knowledgebase, Washington University School of Medicine); PubMed 27032107 (cited by CIViC Knowledgebase, Washington University School of Medicine); PubMed 19147750 (cited by CIViC Knowledgebase, Washington University School of Medicine); PubMed 17877814 (cited by CIViC Knowledgebase, Washington University School of Medicine); PubMed 21132006 (cited by CIViC Knowledgebase, Washington University School of Medicine); PubMed 27102076 (cited by CIViC Knowledgebase, Washington University School of Medicine); PubMed 24868098 (cited by CIViC Knowledgebase, Washington University School of Medicine); PubMed 23982599 (cited by CIViC Knowledgebase, Washington University School of Medicine); PubMed 18408761 (cited by CIViC Knowledgebase, Washington University School of Medicine); PubMed 24439929 (cited by CIViC Knowledgebase, Washington University School of Medicine); PubMed 26515464 (cited by CIViC Knowledgebase, Washington University School of Medicine); PubMed 22452895 (cited by CIViC Knowledgebase, Washington University School of Medicine); PubMed 23816960 (cited by CIViC Knowledgebase, Washington University School of Medicine); PubMed 15118125 (cited by Laboratory for Molecular Medicine, Mass General Brigham Personalized Medicine and OMIM); PubMed 15329413 (cited by OMIM); PubMed 15901872 (cited by OMIM).

NM_005228.5(EGFR):c.2573T>G (p.Leu858Arg)

Gene: EGFR (epidermal growth factor receptor; plus strand). Cytogenetic location: 7p11.2.
Variant type: single nucleotide variant.
Coding change: c.2573T>G on transcript NM_005228.5 (MANE Select); coding-DNA position 2573, T replaced by G.
Protein change: p.Leu858Arg; replaces leucine 858 with arginine.
Molecular consequence: missense variant.
Genome position (GRCh38, 1-based): chr7:55,191,822, T>G. VCF-style: chr7-55191822-T-G. GRCh37 (hg19) VCF-style: chr7-55259515-T-G.
Other names: LEU813ARG; c.2438T>G, p.Leu813Arg (NM_001346897.2, NM_001346899.2); c.2573T>G, p.Leu858Arg (NM_001346898.2); c.2414T>G, p.Leu805Arg (NM_001346900.2); c.1772T>G, p.Leu591Arg (NM_001346941.2); short protein forms L858R, L591R, L805R, L813R.
Identifiers: ClinVar variation 16609 (VCV000016609.20), dbSNP rs121434568, ClinGen allele CA126713.